The following is an entry in ClinVar:

NM_000426.4(LAMA2):c.5849A>G (p.His1950Arg)

Gene: LAMA2 (laminin subunit alpha 2; plus strand). Cytogenetic location: 6q22.33.
Variant type: single nucleotide variant.
Coding change: c.5849A>G on transcript NM_000426.4 (MANE Select); coding-DNA position 5849, A replaced by G.
Protein change: p.His1950Arg; replaces histidine 1950 with arginine.
Molecular consequence: missense variant.
Genome position (GRCh38, 1-based): chr6:129,403,943, A>G. VCF-style: chr6-129403943-A-G. GRCh37 (hg19) VCF-style: chr6-129725088-A-G.
Other names: c.5849A>G, p.His1950Arg (NM_001079823.2); short protein forms H1950R.
Identifiers: ClinVar variation 3668935 (VCV003668935.2).

ClinVar aggregate classification (germline): Uncertain significance (1 of 4 stars; one submission).

Conditions:
LAMA2-related muscular dystrophy (LAMA2-RD). Also called: Laminin alpha 2-related dystrophy. Identifiers: MedGen C5679788, MONDO:0100228.

gnomAD v4.1: 8 of 1,613,868 alleles (0.0005%); highest among the groups gnomAD compares: African/African-American, 0.0013%; no homozygotes.

Submission:

Labcorp Genetics (formerly Invitae), Labcorp
Classification: Uncertain significance for LAMA2-related muscular dystrophy. Last evaluated: 2024-02-23. Review status: criteria provided, single submitter. Criteria: Invitae Variant Classification Sherloc (09022015). Collection method: clinical testing. Allele origin: germline.
Comment: This sequence change replaces histidine, which is basic and polar, with arginine, which is basic and polar, at codon 1950 of the LAMA2 protein (p.His1950Arg). This variant is present in population databases (rs144301099, gnomAD 0.002%). This variant has not been reported in the literature in individuals affected with LAMA2-related conditions. Advanced modeling of protein sequence and biophysical properties (such as structural, functional, and spatial information, amino acid conservation, physicochemical variation, residue mobility, and thermodynamic stability) performed at Invitae indicates that this missense variant is not expected to disrupt LAMA2 protein function with a negative predictive value of 95%. In summary, the available evidence is currently insufficient to determine the role of this variant in disease. Therefore, it has been classified as a Variant of Uncertain Significance.